The following is an entry in ClinVar:

NM_006648.4(WNK2):c.4613C>T (p.Pro1538Leu)

Gene: WNK2 (WNK lysine deficient protein kinase 2; plus strand). Cytogenetic location: 9q22.31.
Variant type: single nucleotide variant.
Coding change: c.4613C>T on transcript NM_006648.4 (MANE Select); coding-DNA position 4613, C replaced by T.
Protein change: p.Pro1538Leu; replaces proline 1538 with leucine.
Molecular consequence: missense variant.
Genome position (GRCh38, 1-based): chr9:93,289,367, C>T. VCF-style: chr9-93289367-C-T. GRCh37 (hg19) VCF-style: chr9-96051649-C-T.
Other names: c.4724C>T, p.Pro1575Leu (NM_001282394.3); short protein forms P1538L, P1575L.
Identifiers: ClinVar variation 3470092 (VCV003470092.1).
Genomic context (GRCh38, chr9:93,289,367, plus strand): 5'-CCCTGGGGCCCACCGTCCCCCCACAGCCACCCTCGGCCCTGGAGTCGGATGGGGAAGGGC[C>T]GCCCCCCAGGGTGGGCTTTGTGGACAGCACCATCAAGAGCCTGGACGAGAAGCTGCGGAC-3'
Protein context (NP_006639.3, residues 1528-1548): PSALESDGEG[Pro1538Leu]PPRVGFVDST

ClinVar aggregate classification (germline): Uncertain significance (1 of 4 stars; one submission).

gnomAD v4.1: 34 of 1,611,658 alleles (0.0021%); highest among the groups gnomAD compares: Admixed American, 0.012%; no homozygotes.

Submission:

Ambry Genetics
Classification: Uncertain significance. Last evaluated: 2024-10-05. Review status: criteria provided, single submitter. Criteria: Ambry Variant Classification Scheme 2023. Collection method: clinical testing. Allele origin: germline.
Comment: The p.P1538L variant (also known as c.4613C>T), located in coding exon 19 of the WNK2 gene, results from a C to T substitution at nucleotide position 4613. The proline at codon 1538 is replaced by leucine, an amino acid with similar properties. This amino acid position is conserved. In addition, this alteration is predicted to be tolerated by in silico analysis. Based on the available evidence, the clinical significance of this variant remains unclear.